The following is an entry in ClinVar:

ClinVar aggregate classification (germline): Uncertain significance (1 of 4 stars; one submission).

Allele frequency attached by ClinVar (database versions not stated): gnomAD exomes below 0.00001; TOPMed below 0.00001; gnomAD 0.00001.
gnomAD v4.1: 5 of 1,613,952 alleles (0.00031%); highest among the groups gnomAD compares: Non-Finnish European, 0.00042%; no homozygotes.

Submission:

GeneDx
Classification: Uncertain significance. Last evaluated: 2020-10-19. Review status: criteria provided, single submitter. Criteria: GeneDx Variant Classification Process June 2021. Collection method: clinical testing. Allele origin: germline. Affected: yes.
Comment: Has not been previously published as pathogenic or benign to our knowledge; Not observed in large population cohorts (Lek et al., 2016); In silico analysis supports that this missense variant does not alter protein structure/function

NM_001851.6(COL9A1):c.1661C>A (p.Thr554Lys)

Gene: COL9A1 (collagen type IX alpha 1 chain; minus strand). Cytogenetic location: 6q13.
Variant type: single nucleotide variant.
Coding change: c.1661C>A on transcript NM_001851.6 (MANE Select); coding-DNA position 1661, C replaced by A.
Protein change: p.Thr554Lys; replaces threonine 554 with lysine.
Molecular consequence: missense variant. On other transcripts: non-coding transcript variant (1).
Genome position (GRCh38, 1-based): chr6:70,254,967, G>T on the plus strand (C>A on the coding strand, the complement: COL9A1 is on the minus strand). VCF-style: chr6-70254967-G-T. GRCh37 (hg19) VCF-style: chr6-70964670-G-T.
Other names: c.932C>A, p.Thr311Lys (NM_001377289.1, NM_001377290.1, NM_078485.4); short protein forms T311K, T554K.
Identifiers: ClinVar variation 1321111 (VCV001321111.2), dbSNP rs1771183436, ClinGen allele CA364677678.
Genomic context (GRCh38, chr6:70,254,967, plus strand): 5'-AGTTGGCCAGGGCAGAGACAGCCCCACTCACTCTTGGAGTAAATTACACAGCCTACCTTT[G>T]TTCCAGGCATTCCAGGGATCCCATCACGGCCATCCACACCTGGCAAACCCTAAACACACA-3'
Protein context (NP_001842.3, residues 544-564): GRDGIPGMPG[Thr554Lys]KGEPGKPGPP